The following is an entry in ClinVar:

NM_004260.4(RECQL4):c.3330dup (p.Glu1111fs)

Gene: RECQL4 (RecQ like helicase 4; minus strand). Cytogenetic location: 8q24.3.
Variant type: Duplication.
Coding change: c.3330dup on transcript NM_004260.4 (MANE Select); coding-DNA position 3330, one base duplicated (A; older notation c.3330dupA).
Protein change: p.Glu1111fs; shifts the reading frame from glutamic acid 1111.
Molecular consequence: frameshift variant.
Genome position (GRCh38, 1-based): chr8:144,511,974, T duplicated on the plus strand (A on the coding strand, the reverse complement: RECQL4 is on the minus strand); the first of 2 consecutive T bases (chr8:144,511,974-144,511,975); duplicating either gives the same sequence. VCF-style (leftmost placement, unchanged base first): chr8-144511973-C-CT. GRCh37 (hg19) VCF-style: chr8-145737356-C-CT.
Other names: short protein forms E1111fs.
Identifiers: ClinVar variation 1457419 (VCV001457419.6), dbSNP rs2130654806, ClinGen allele CA2573143048.

ClinVar aggregate classification (germline): Pathogenic (1 of 4 stars; one submission).

Conditions:
Baller-Gerold syndrome (BGS). Also called: CRANIOSYNOSTOSIS WITH RADIAL DEFECTS. Identifiers: Orphanet 1225, MedGen C0265308, MONDO:0009039, OMIM 218600.

Submission:

Labcorp Genetics (formerly Invitae), Labcorp
Classification: Pathogenic for Baller-Gerold syndrome. Last evaluated: 2024-04-13. Review status: criteria provided, single submitter. Criteria: Invitae Variant Classification Sherloc (09022015). Collection method: clinical testing. Allele origin: germline.
Comment: This sequence change creates a premature translational stop signal (p.Glu1111Argfs*116) in the RECQL4 gene. It is expected to result in an absent or disrupted protein product. Loss-of-function variants in RECQL4 are known to be pathogenic (PMID: 12734318, 12952869). This variant is not present in population databases (gnomAD no frequency). This premature translational stop signal has been observed in individual(s) with clinical features of Rothmund-Thomson syndrome (PMID: 27247962). ClinVar contains an entry for this variant (Variation ID: 1457419). Algorithms developed to predict the effect of sequence changes on RNA splicing suggest that this variant may disrupt the consensus splice site. For these reasons, this variant has been classified as Pathogenic.

Literature cited by the submitters: PubMed 12734318; PubMed 12952869; PubMed 27247962.